The following is an entry in ClinVar:

NM_001129820.2(SLFN14):c.1089C>T (p.Asn363=)

Genes: SLFN14 (schlafen family member 14; minus strand), LOC107985033 (uncharacterized LOC107985033; plus strand). Cytogenetic location: 17q12.
Variant type: single nucleotide variant.
Coding change: c.1089C>T on transcript NM_001129820.2 (MANE Select); coding-DNA position 1089, C replaced by T.
Protein change: p.Asn363=; no amino-acid change (asparagine 363 retained).
Molecular consequence: synonymous variant. On other transcripts: non-coding transcript variant (2).
Genome position (GRCh38, 1-based): chr17:35,554,676, G>A on the plus strand (C>T on the coding strand, the complement: SLFN14 is on the minus strand). VCF-style: chr17-35554676-G-A. GRCh37 (hg19) VCF-style: chr17-33881695-G-A.
Identifiers: ClinVar variation 3353157 (VCV003353157.2).

ClinVar aggregate classification (germline): Likely benign. Review status: criteria provided, single submitter (1 of 4 stars). 2 submissions from 2 submitters: Likely benign (1). 1 of the submissions does not count toward it. Last evaluated 2024-11-07.

Conditions:
SLFN14-related disorder. Also called: SLFN14-related condition.

gnomAD v4.1: 664 of 1,473,524 alleles (0.045%); highest among the groups gnomAD compares: Non-Finnish European, 0.048%; 1 homozygote.

Submissions (2):

Blueprint Genetics
Classification: Likely benign. Last evaluated: 2024-11-07. Review status: criteria provided, single submitter. Criteria: ACMG Guidelines, 2015. Collection method: clinical testing. Allele origin: germline.

PreventionGenetics, part of Exact Sciences
Classification: Likely benign for SLFN14-related condition. Last evaluated: 2024-07-26. Review status: no assertion criteria provided. Collection method: clinical testing. Allele origin: germline. Not counted in ClinVar's aggregate classification.
Comment: This variant is classified as likely benign based on ACMG/AMP sequence variant interpretation guidelines (Richards et al. 2015 PMID: 25741868, with internal and published modifications).